The following is an entry in ClinVar:

NM_001110556.2(FLNA):c.4725C>T (p.Ala1575=)

Gene: FLNA (filamin A; minus strand). Cytogenetic location: Xq28.
Variant type: single nucleotide variant.
Coding change: c.4725C>T on transcript NM_001110556.2 (MANE Select); coding-DNA position 4725, C replaced by T.
Protein change: p.Ala1575=; no amino-acid change (alanine 1575 retained).
Molecular consequence: synonymous variant.
Genome position (GRCh38, 1-based): chrX:154,358,229, G>A on the plus strand (C>T on the coding strand, the complement: FLNA is on the minus strand). VCF-style: chrX-154358229-G-A. GRCh37 (hg19) VCF-style: chrX-153586597-G-A.
Other names: c.4725C>T, p.Ala1575= (NM_001456.4).
Identifiers: ClinVar variation 679617 (VCV000679617.12), dbSNP rs969907803, ClinGen allele CA337278948.

ClinVar aggregate classification (germline): Likely benign. Review status: criteria provided, multiple submitters, no conflicts (2 of 4 stars). 4 submissions from 4 submitters: Likely benign (4). Last evaluated 2025-12-17.

Conditions:
Melnick-Needles syndrome (MNS). Also called: MELNICK-NEEDLES OSTEODYSPLASTY; OSTEODYSPLASTY OF MELNICK AND NEEDLES; Melnick-Needles Syndrome (FLNA-MNS). Identifiers: Orphanet 2484, MedGen C0025237, MONDO:0010650, OMIM 309350.
Oto-palato-digital syndrome, type II (OPD2). Also called: FACIOPALATOOSSEOUS SYNDROME; OPD II SYNDROME; Otopalatodigital Syndrome, Type II; Otopalatodigital Syndrome Type 2 (FLNA-OPD2). Identifiers: Orphanet 669, Orphanet 90652, MedGen C1844696, MONDO:0010571, OMIM 304120.
Frontometaphyseal dysplasia (FMD1). Identifiers: Orphanet 1826, MedGen C0265293, MONDO:0015942.
Heterotopia, periventricular, X-linked dominant (PVNH1). Also called: PERIVENTRICULAR NODULAR HETEROTOPIA 1; X-linked periventricular heterotopia; PERIVENTRICULAR NODULAR HETEROTOPIA 4; HETEROTOPIA, PERIVENTRICULAR, 1. Identifiers: Orphanet 2149, Orphanet 82004, MedGen C1848213, MONDO:0010233, OMIM 300049.
Familial thoracic aortic aneurysm and aortic dissection (TAAD). Also called: Thoracic aortic aneurysms and dissections. Identifiers: Orphanet 91387, MedGen C4707243, MONDO:0019625.

Allele frequency attached by ClinVar (database versions not stated): TOPMed below 0.00001; gnomAD exomes 0.00002; gnomAD 0.00001.

Submissions (4):

Labcorp Genetics (formerly Invitae), Labcorp
Classification: Likely benign for Oto-palato-digital syndrome, type II; Heterotopia, periventricular, X-linked dominant; Frontometaphyseal dysplasia; Melnick-Needles syndrome. Last evaluated: 2025-12-17. Review status: criteria provided, single submitter. Criteria: Invitae Variant Classification Sherloc (09022015). Collection method: clinical testing. Allele origin: germline.

Blueprint Genetics
Classification: Likely benign. Last evaluated: 2023-11-28. Review status: criteria provided, single submitter. Criteria: ACMG Guidelines, 2015. Collection method: clinical testing. Allele origin: germline.

Ambry Genetics
Classification: Likely benign for Familial thoracic aortic aneurysm and aortic dissection. Last evaluated: 2023-03-29. Review status: criteria provided, single submitter. Criteria: Ambry Variant Classification Scheme 2023. Collection method: clinical testing. Allele origin: germline.

GeneDx
Classification: Likely benign. Last evaluated: 2018-04-06. Review status: criteria provided, single submitter. Criteria: GeneDx Variant Classification (06012015). Collection method: clinical testing. Allele origin: germline. Affected: yes.
Comment: This variant is considered likely benign or benign based on one or more of the following criteria: it is a conservative change, it occurs at a poorly conserved position in the protein, it is predicted to be benign by multiple in silico algorithms, and/or has population frequency not consistent with disease.